The following is an entry in ClinVar:

NM_183050.4(BCKDHB):c.107dup (p.Leu36fs)

Gene: BCKDHB (branched chain keto acid dehydrogenase E1 subunit beta; plus strand). Cytogenetic location: 6q14.1.
Variant type: Duplication.
Coding change: c.107dup on transcript NM_183050.4 (MANE Select); coding-DNA position 107, one base duplicated (T; older notation c.107dupT).
Protein change: p.Leu36fs; shifts the reading frame from leucine 36.
Molecular consequence: frameshift variant. On other transcripts: non-coding transcript variant (1), intron variant (1).
Genome position (GRCh38, 1-based): chr6:80,106,800, T duplicated; the last of 5 consecutive T bases (chr6:80,106,796-80,106,800); duplicating any one gives the same sequence. VCF-style (leftmost placement, unchanged base first): chr6-80106795-C-CT. GRCh37 (hg19) VCF-style: chr6-80816512-C-CT.
Other names: c.107dup, p.Leu36fs (NM_000056.5); c.-15+117dup (NM_001318975.1); short protein forms L36fs.
Identifiers: ClinVar variation 940139 (VCV000940139.8), dbSNP rs1769085821, ClinGen allele CA1139659711.

ClinVar aggregate classification (germline): Pathogenic/Likely pathogenic. Review status: criteria provided, multiple submitters, no conflicts (2 of 4 stars). 2 submissions from 2 submitters: Pathogenic (1); Likely pathogenic (1). Last evaluated 2024-01-26.

Conditions:
Maple syrup urine disease (MSUD). Identifiers: Orphanet 511, MedGen C0024776, MeSH D008375, MONDO:0009563. Disease mechanism: loss of function.
Maple syrup urine disease type 1B (MSUD1B). Also called: MSUD type IB; MSUD type 3 (formerly); MSUD due to deficiency of e1-beta subunit of branched-chain alpha-keto acid dehydrogenase complex. Identifiers: MedGen C2930990, MONDO:0023692, OMIM 620698.

Submissions (2):

Fulgent Genetics
Classification: Likely pathogenic for Maple syrup urine disease type 1B. Last evaluated: 2024-01-26. Review status: criteria provided, single submitter. Criteria: ACMG Guidelines, 2015. Collection method: clinical testing. Allele origin: germline.

Labcorp Genetics (formerly Invitae), Labcorp
Classification: Pathogenic for Maple syrup urine disease. Last evaluated: 2023-06-06. Review status: criteria provided, single submitter. Criteria: Invitae Variant Classification Sherloc (09022015). Collection method: clinical testing. Allele origin: germline.
Comment: For these reasons, this variant has been classified as Pathogenic. ClinVar contains an entry for this variant (Variation ID: 940139). This variant has not been reported in the literature in individuals affected with BCKDHB-related conditions. This variant is not present in population databases (gnomAD no frequency). This sequence change creates a premature translational stop signal (p.Leu36Phefs*48) in the BCKDHB gene. It is expected to result in an absent or disrupted protein product. Loss-of-function variants in BCKDHB are known to be pathogenic (PMID: 16786533, 22593002).

Literature cited by the submitters: PubMed 16786533 (cited by Labcorp Genetics (formerly Invitae), Labcorp); PubMed 22593002 (cited by Labcorp Genetics (formerly Invitae), Labcorp).